The following continues an entry in ClinVar:

NM_001173990.3(TMEM216):c.218G>T (p.Arg73Leu)

Gene: TMEM216. ClinVar aggregate classification (germline): Pathogenic. Pathogenic (16).

Submissions 14 to 20 of 20:

Illumina Laboratory Services, Illumina
Classification: Pathogenic for TMEM216-Related Disorders. Last evaluated: 2018-12-14. Review status: criteria provided, single submitter. Criteria: ICSL Variant Classification Criteria 09 May 2019. Collection method: clinical testing. Allele origin: germline.
Comment: The TMEM216 c.218G>T (p.Arg73Leu) missense variant is noted to be a founder variant in the Ashkenazi Jewish population (Parisi et al. 2013). Across a selection of available literature, the p.Arg73Leu variant has been identified in a total of 40 individuals with Joubert syndrome including 39 homozygotes and one compound heterozygote. The variant was also identified in a heterozygous state in 119 unaffected family members (Edvardson et al. 2010; Valente et al. 2010; Bachmann-Gagescu et al. 2015). Additionally the p.Arg73Leu variant was found in a homozygous state in a Turkish family in which Meckel syndrome and Joubert syndrome coexisted within the same sibship (Valente et al. 2010). The p.Arg73Leu variant was reported in 30 of 2766 anonymous Ashkenazi Jewish individuals in a heterozygous state and is reported at a frequency of 0.003381 in the Ashkenazi Jewish population of the Genome Aggregation Database. Lee et al. (2012) reported that fibroblasts from a patient carrying the p.Arg73Leu variant showed failure of ciliogenesis. Based on the collective evidence, the p.Arg73Leu variant is classified as pathogenic for TMEM216-related disorders. This variant was observed by ICSL as part of a predisposition screen in an ostensibly healthy population.

Eurofins Ntd Llc (ga)
Classification: Pathogenic. Last evaluated: 2017-10-26. Review status: criteria provided, single submitter. Criteria: EGL Classification Definitions 2015. Collection method: clinical testing. Allele origin: germline. Observed: 1 variant allele, 1 heterozygote.

UW Hindbrain Malformation Research Program, University of Washington
Classification: Pathogenic for Joubert syndrome 2. Last evaluated: 2015-02-23. Review status: criteria provided, single submitter. Criteria: Bachmann-Gagescu et al. (J Med Genet. 2015). Collection method: research. Allele origin: unknown. Affected: yes.

PreventionGenetics, part of Exact Sciences
Classification: Pathogenic for TMEM216-related condition. Last evaluated: 2024-06-21. Review status: no assertion criteria provided. Collection method: clinical testing. Allele origin: germline. Not counted in ClinVar's aggregate classification.
Comment: The TMEM216 c.218G>T variant is predicted to result in the amino acid substitution p.Arg73Leu. This variant has been reported as pathogenic in multiple patients with Joubert syndrome or Meckel syndrome (described as c.35G>T R12L, Edvardson et al. 2010. PubMed ID: 20036350; Valente et al. 2010. PubMed ID: 20512146; Table S5, Bachmann-Gagescu et al. 2015. PubMed ID: 26092869). This variant has been reported as a founder variant in the Ashkenazi Jewish population, and is reported in 0.34% of alleles in individuals of this descent in gnomAD. This variant is interpreted as pathogenic.

Counsyl
Classification: Pathogenic for Meckel syndrome, type 2. Last evaluated: 2016-02-29. Review status: no assertion criteria provided. Collection method: clinical testing. Allele origin: unknown. Not counted in ClinVar's aggregate classification.

OMIM
Classification: Pathogenic for JOUBERT SYNDROME 2. Last evaluated: 2010-07-01. Review status: no assertion criteria provided. Collection method: literature only. Allele origin: germline. Not counted in ClinVar's aggregate classification.

GeneReviews
No classification provided. Condition: Joubert syndrome 2. Review status: no classification provided. Collection method: literature only. Allele origin: germline. Not counted in ClinVar's aggregate classification.

Literature cited by the submitters: PubMed 20036350 (cited by 9 submitters); PubMed 26092869 (cited by 4 submitters); PubMed 20512146 (cited by 10 submitters); PubMed 22282472 (cited by 6 submitters); PubMed 29146704 (cited by Natera, Inc.); PubMed 31964843 (cited by Mayo Clinic Laboratories, Mayo Clinic); PubMed 36788019 (cited by Mayo Clinic Laboratories, Mayo Clinic); PubMed 37486637 (cited by Mayo Clinic Laboratories, Mayo Clinic); PubMed 37921557 (cited by Mayo Clinic Laboratories, Mayo Clinic); PubMed 26673778 (cited by Ambry Genetics and Laboratory for Molecular Medicine, Mass General Brigham Personalized Medicine); PubMed 20301500 (cited by Illumina Laboratory Services, Illumina and GeneReviews); NCBI Bookshelf NBK1325 (cited by GeneReviews).